The following is an entry in ClinVar:

NM_001282597.3(CTNNA2):c.377C>T (p.Ala126Val)

Gene: CTNNA2 (catenin alpha 2; plus strand). Cytogenetic location: 2p12.
Variant type: single nucleotide variant.
Coding change: c.377C>T on transcript NM_001282597.3 (MANE Select); coding-DNA position 377, C replaced by T.
Protein change: p.Ala126Val; replaces alanine 126 with valine.
Molecular consequence: missense variant.
Genome position (GRCh38, 1-based): chr2:79,858,091, C>T. VCF-style: chr2-79858091-C-T. GRCh37 (hg19) VCF-style: chr2-80085217-C-T.
Other names: c.377C>T, p.Ala126Val (NM_001164883.2, NM_004389.4); c.479C>T, p.Ala160Val (NM_001282598.2); short protein forms A126V, A160V.
Identifiers: ClinVar variation 1049192 (VCV001049192.1), dbSNP rs368392741, ClinGen allele CA1735026.
Genomic context (GRCh38, chr2:79,858,091, plus strand): 5'-CCTCCTCCGAGTTTGCAGATGACCCTTGCTCGTCGGTAAAGCGCGGCACCATGGTACGGG[C>T]GGCAAGGGCTTTGCTCTCCGCGGTGACACGCTTACTCATCCTGGCGGACATGGCAGATGT-3'
Protein context (NP_001269526.1, residues 116-136): SSVKRGTMVR[Ala126Val]ARALLSAVTR

ClinVar aggregate classification (germline): Uncertain significance (0 of 4 stars; one submission).

Allele frequency attached by ClinVar (database versions not stated): gnomAD 0.00001; TOPMed 0.00001; gnomAD exomes 0.00002; ExAC 0.00003; ESP Exome Variant Server 0.00008.
gnomAD v4.1: 27 of 1,614,002 alleles (0.0017%); highest among the groups gnomAD compares: Non-Finnish European, 0.0019%; no homozygotes.

Submission:

Department of Pathology and Laboratory Medicine, Sinai Health System
Classification: Uncertain significance. Review status: no assertion criteria provided. Collection method: clinical testing. Allele origin: unknown. Affected: yes. Study: The Canadian Open Genetics Repository (COGR).
Comment: The CTNNA2 p.Ala126Val variant was not identified in the literature nor was it identified in ClinVar. The variant was identified in dbSNP (ID: rs368392741) and in control databases in 5 of 249530 chromosomes at a frequency of 0.00002004 (Genome Aggregation Database March 6, 2019, v2.1.1). The variant was observed in the European (non-Finnish) population in 5 of 113246 chromosomes (freq: 0.000044), but was not observed in the African, Latino, Ashkenazi Jewish, East Asian, European (Finnish), Other, or South Asian populations. The p.Ala126 residue is conserved in mammals and computational analyses (PolyPhen-2, SIFT, AlignGVGD, BLOSUM, MutationTaster) provide inconsistent predictions regarding the impact to the protein; this information is not very predictive of pathogenicity. The variant occurs outside of the splicing consensus sequence and in silico or computational prediction software programs (SpliceSiteFinder, MaxEntScan, NNSPLICE, GeneSplicer) do not predict a difference in splicing. In summary, based on the above information the clinical significance of this variant cannot be determined with certainty at this time. This variant is classified as a variant of uncertain significance.